The following is an entry in ClinVar:

NM_001034853.2(RPGR):c.2938dup (p.Glu980fs)

Gene: RPGR (retinitis pigmentosa GTPase regulator; minus strand). Cytogenetic location: Xp11.4.
Variant type: Duplication.
Coding change: c.2938dup on transcript NM_001034853.2 (MANE Select); coding-DNA position 2938, one base duplicated (G; older notation c.2938dupG).
Protein change: p.Glu980fs; shifts the reading frame from glutamic acid 980.
Molecular consequence: frameshift variant. On other transcripts: intron variant (8).
Genome position (GRCh38, 1-based): chrX:38,286,061, C duplicated on the plus strand (G on the coding strand, the reverse complement: RPGR is on the minus strand); the first of 4 consecutive C bases (chrX:38,286,061-38,286,064); duplicating any one gives the same sequence. VCF-style (leftmost placement, unchanged base first): chrX-38286060-T-TC. GRCh37 (hg19) VCF-style: chrX-38145313-T-TC.
Other names: c.1572+4898dup (NM_001367247.1); c.1905+1033dup (NM_000328.3); c.1602+4898dup (NM_001367248.1); c.1569+4898dup (NM_001367249.1, NM_001367250.1); c.1902+1033dup (NM_001367245.1); c.1386+4898dup (NM_001367251.1); c.1719+1033dup (NM_001367246.1); short protein forms E980fs.
Identifiers: ClinVar variation 3655386 (VCV003655386.2).

ClinVar aggregate classification (germline): Pathogenic (1 of 4 stars; one submission).

Conditions:
Primary ciliary dyskinesia. Also called: Ciliary dyskinesia. Identifiers: Orphanet 244, MedGen C0008780, MONDO:0016575, HP:0012265.

Submission:

Labcorp Genetics (formerly Invitae), Labcorp
Classification: Pathogenic for Primary ciliary dyskinesia. Last evaluated: 2024-06-03. Review status: criteria provided, single submitter. Criteria: Invitae Variant Classification Sherloc (09022015). Collection method: clinical testing. Allele origin: germline.
Comment: This sequence change creates a premature translational stop signal (p.Glu980Glyfs*99) in the RPGR (ORF15) gene. While this is not anticipated to result in nonsense mediated decay, it is expected to disrupt the last 173 amino acid(s) of the RPGR (ORF15) protein. This variant is not present in population databases (gnomAD no frequency). This variant has not been reported in the literature in individuals affected with RPGR (ORF15)-related conditions. This variant disrupts a region of the RPGR (ORF15) protein in which other variant(s) (p.Leu1130Lysfs*13) have been determined to be pathogenic (PMID: 22264887; Invitae). This suggests that this is a clinically significant region of the protein, and that variants that disrupt it are likely to be disease-causing. For these reasons, this variant has been classified as Pathogenic.

Literature cited by the submitters: PubMed 22264887.